The following is an entry in ClinVar:

NM_007294.4(BRCA1):c.5390C>G (p.Ser1797Ter)

Gene: BRCA1 (BRCA1 DNA repair associated; minus strand). Cytogenetic location: 17q21.31.
Variant type: single nucleotide variant.
Coding change: c.5390C>G on transcript NM_007294.4 (MANE Select); coding-DNA position 5390, C replaced by G.
Protein change: p.Ser1797Ter; replaces serine 1797 with a stop codon.
Molecular consequence: nonsense. On other transcripts: non-coding transcript variant (1), intron variant (1).
Genome position (GRCh38, 1-based): chr17:43,049,137, G>C on the plus strand (C>G on the coding strand, the complement: BRCA1 is on the minus strand). VCF-style: chr17-43049137-G-C. GRCh37 (hg19) VCF-style: chr17-41201154-G-C.
Other names: 5509C>G; c.5177C>G, p.Ser1726Ter (NM_001407571.1, NM_001407902.1, NM_001407904.1 and 12 more transcripts); c.5456C>G, p.Ser1819Ter (NM_001407581.1, NM_001407582.1); c.5453C>G, p.Ser1818Ter (NM_001407583.1, NM_001407585.1, NM_001407587.1 and 1 more transcripts); c.5450C>G, p.Ser1817Ter (NM_001407590.1, NM_001407591.1); c.5390C>G, p.Ser1797Ter (NM_001407593.1, NM_001407594.1, NM_001407596.1 and 5 more transcripts); c.5387C>G, p.Ser1796Ter (NM_001407610.1, NM_001407611.1, NM_001407612.1 and 14 more transcripts); c.5384C>G, p.Ser1795Ter (NM_001407627.1, NM_001407628.1, NM_001407629.1 and 13 more transcripts); and 74 more; short protein forms S1797*, S1750*, S1818*, S693*, S1500*, S1668*, S1669*, S1670*.
Identifiers: ClinVar variation 266552 (VCV000266552.13), dbSNP rs879255492, ClinGen allele CA10589592.

ClinVar aggregate classification (germline): Pathogenic. Review status: reviewed by expert panel (3 of 4 stars). 4 submissions from 4 submitters: Pathogenic (1). 3 of the submissions do not count toward it. Last evaluated 2016-10-18.

Conditions:
Hereditary cancer-predisposing syndrome. Also called: Hereditary Cancer Syndrome; Neoplastic Syndromes, Hereditary; Hereditary neoplastic syndrome; Tumor predisposition. Identifiers: Orphanet 140162, MedGen C0027672, MeSH D009386, MONDO:0015356.
Breast-ovarian cancer, familial, susceptibility to, 1 (BROVCA1). Also called: BRCA1 Hereditary Breast and Ovarian Cancer; OVARIAN CANCER, SUSCEPTIBILITY TO. Identifiers: Orphanet 145, MedGen C2676676, MONDO:0011450, OMIM 604370. Disease mechanism: loss of function.

Submissions (5):

Evidence-based Network for the Interpretation of Germline Mutant Alleles (ENIGMA)
Classification: Pathogenic for Breast-ovarian cancer, familial, susceptibility to, 1. Last evaluated: 2016-10-18. Review status: reviewed by expert panel. Criteria: ENIGMA BRCA1/2 Classification Criteria (2015). Collection method: curation. Allele origin: germline.
Comment: Variant allele predicted to encode a truncated non-functional protein.

Institute for Clinical Genetics, University Hospital TU Dresden, University Hospital TU Dresden
Classification: Pathogenic. Last evaluated: 2021-11-03. Review status: criteria provided, single submitter. Criteria: ACMG Guidelines, 2015. Collection method: clinical testing. Allele origin: germline. Not counted in ClinVar's aggregate classification.

Ambry Genetics
Classification: Pathogenic for Hereditary cancer-predisposing syndrome. Last evaluated: 2021-09-02. Review status: criteria provided, single submitter. Criteria: Ambry Variant Classification Scheme 2023. Collection method: clinical testing. Allele origin: germline. Not counted in ClinVar's aggregate classification.
Comment: The p.S1797* pathogenic mutation (also known as c.5390C>G), located in coding exon 20 of the BRCA1 gene, results from a C to G substitution at nucleotide position 5390. This changes the amino acid from a serine to a stop codon within coding exon 20. One functional study found that this nucleotide substitution is non-functional in a high-throughput, genome editing, haploid cell survival assay (Findlay GM et al. Nature, 2018 10;562:217-222). Additionally, this alteration was identified in a large, worldwide study of BRCA1/2 mutation positive families (Rebbeck TR et al. Hum Mutat, 2018 05;39:593-620). This variant is considered to be rare based on population cohorts in the Genome Aggregation Database (gnomAD). In addition to the clinical data presented in the literature, this alteration is expected to result in loss of function by premature protein truncation or nonsense-mediated mRNA decay. As such, this alteration is interpreted as a disease-causing mutation.

Consortium of Investigators of Modifiers of BRCA1/2 (CIMBA), c/o University of Cambridge
Classification: Pathogenic for Breast-ovarian cancer, familial, susceptibility to, 1. Last evaluated: 2015-10-02. Review status: criteria provided, single submitter. Criteria: CIMBA Mutation Classification guidelines May 2016. Collection method: clinical testing. Allele origin: germline. Not counted in ClinVar's aggregate classification.

Brotman Baty Institute, University of Washington
No classification provided (evidence only). Condition: Breast-ovarian cancer, familial 1. Review status: no classification provided. Collection method: in vitro. Allele origin: not applicable. Functional consequence: functionally_abnormal. Not counted in ClinVar's aggregate classification.
ClinVar note: "not provided" was previously submitted as the classification for the variant. However, the classification appeared to be based only on an observation of functional data so it was converted to no classification on 2025-07-30.

Literature cited by the submitters: PubMed 29446198 (cited by Ambry Genetics); PubMed 30209399 (cited by Ambry Genetics).